The following is an entry in ClinVar:

ClinVar aggregate classification (germline): Uncertain significance (1 of 4 stars; one submission).

Conditions:
EPILEPSY, CHILDHOOD ABSENCE, SUSCEPTIBILITY TO, 2 (ECA2). Identifiers: Orphanet 64280, MedGen C1843244, OMIM 607681.
Febrile seizures, familial, 8 (FEB8). Also called: CONVULSIONS, FAMILIAL FEBRILE, 8. Identifiers: Orphanet 36387, MedGen C1969810, MONDO:0011891, OMIM 607681.

Submission:

Labcorp Genetics (formerly Invitae), Labcorp
Classification: Uncertain significance for Febrile seizures, familial, 8; EPILEPSY, CHILDHOOD ABSENCE, SUSCEPTIBILITY TO, 2. Last evaluated: 2022-12-06. Review status: criteria provided, single submitter. Criteria: Invitae Variant Classification Sherloc (09022015). Collection method: clinical testing. Allele origin: germline.
Comment: Advanced modeling of protein sequence and biophysical properties (such as structural, functional, and spatial information, amino acid conservation, physicochemical variation, residue mobility, and thermodynamic stability) performed at Invitae indicates that this missense variant is expected to disrupt GABRG2 protein function. In summary, the available evidence is currently insufficient to determine the role of this variant in disease. Therefore, it has been classified as a Variant of Uncertain Significance. This sequence change replaces phenylalanine, which is neutral and non-polar, with leucine, which is neutral and non-polar, at codon 338 of the GABRG2 protein (p.Phe338Leu). This variant is not present in population databases (gnomAD no frequency). This variant has not been reported in the literature in individuals affected with GABRG2-related conditions. ClinVar contains an entry for this variant (Variation ID: 937150).

NM_198904.4(GABRG2):c.1012T>C (p.Phe338Leu)

Gene: GABRG2 (gamma-aminobutyric acid type A receptor subunit gamma2; plus strand). Cytogenetic location: 5q34.
Variant type: single nucleotide variant.
Coding change: c.1012T>C on transcript NM_198904.4 (MANE Select); coding-DNA position 1012, T replaced by C.
Protein change: p.Phe338Leu; replaces phenylalanine 338 with leucine.
Molecular consequence: missense variant. On other transcripts: intron variant (1).
Genome position (GRCh38, 1-based): chr5:162,149,197, T>C. VCF-style: chr5-162149197-T-C. GRCh37 (hg19) VCF-style: chr5-161576203-T-C.
Other names: c.1012T>C, p.Phe338Leu (NM_000816.3); c.1003T>C, p.Phe335Leu (NM_001375339.1); c.1009T>C, p.Phe337Leu (NM_001375341.1, NM_001375342.1); c.1132T>C, p.Phe378Leu (NM_001375343.1, NM_198903.2); c.1051T>C, p.Phe351Leu (NM_001375344.1); c.946T>C, p.Phe316Leu (NM_001375345.1, NM_001375346.1); c.925T>C, p.Phe309Leu (NM_001375347.1); c.592T>C, p.Phe198Leu (NM_001375348.1, NM_001375350.1); and 2 more; short protein forms F335L, F378L, F243L, F309L, F337L, F338L, F198L, F316L.
Identifiers: ClinVar variation 937150 (VCV000937150.10), dbSNP rs1765181104, ClinGen allele CA362182482.